The following is an entry in ClinVar:

NM_000552.5(VWF):c.6541G>A (p.Ala2181Thr)

Gene: VWF (von Willebrand factor; minus strand). Cytogenetic location: 12p13.31.
Variant type: single nucleotide variant.
Coding change: c.6541G>A on transcript NM_000552.5 (MANE Select); coding-DNA position 6541, G replaced by A.
Protein change: p.Ala2181Thr; replaces alanine 2181 with threonine.
Molecular consequence: missense variant.
Genome position (GRCh38, 1-based): chr12:5,993,919, C>T on the plus strand (G>A on the coding strand, the complement: VWF is on the minus strand). VCF-style: chr12-5993919-C-T. GRCh37 (hg19) VCF-style: chr12-6103085-C-T.
Other names: c.6541G>A (NM_000552.4); short protein forms A2181T.
Identifiers: ClinVar variation 2271828 (VCV002271828.4), dbSNP rs771544504, ClinGen allele CA6401970.
Genomic context (GRCh38, chr12:5,993,919, plus strand): 5'-CACCACAGAAATCAGGTGTCCTCCAGTCAACGCAGACCCCGTTGGTCCGACAGAGGTGGG[C>T]ATAAGAGGCGATCACCTCACACACTTGCTCCTGGTGGCAACTGTCCTGCTGGCAGATGGC-3'
Protein context (NP_000543.3, residues 2171-2191): EQVCEVIASY[Ala2181Thr]HLCRTNGVCV

ClinVar aggregate classification (germline): Uncertain significance. Review status: criteria provided, multiple submitters, no conflicts (2 of 4 stars). 2 submissions from 2 submitters: Uncertain significance (2). Last evaluated 2026-07-31.

Conditions:
Inborn genetic diseases. Identifiers: MedGen C0950123, MeSH D030342.
VWF-related disorder. Also called: VWF-related condition; VWF-related disorders.

gnomAD v4.1: 52 of 1,613,990 alleles (0.0032%); highest among the groups gnomAD compares: Non-Finnish European, 0.0043%; no homozygotes.

Submissions (2):

PreventionGenetics, part of Exact Sciences
Classification: Uncertain significance for VWF-related condition. Last evaluated: 2026-07-31. Review status: criteria provided, single submitter. Criteria: ACMG Guidelines, 2015. Collection method: clinical testing. Allele origin: germline.
Comment: The VWF c.6541G>A variant is predicted to result in the amino acid substitution p.Ala2181Thr. To our knowledge, this variant has not been reported in the literature. This variant is reported in 0.0026% of alleles in individuals of European (Non-Finnish) descent in gnomAD. At this time, the clinical significance of this variant is uncertain due to the absence of conclusive functional and genetic evidence.

Ambry Genetics
Classification: Uncertain significance for Inborn genetic diseases. Last evaluated: 2025-03-31. Review status: criteria provided, single submitter. Criteria: Ambry Variant Classification Scheme 2023. Collection method: clinical testing. Allele origin: germline.